The following is an entry in ClinVar:

NM_006031.6(PCNT):c.1748C>G (p.Pro583Arg)

Gene: PCNT (pericentrin; plus strand). Cytogenetic location: 21q22.3.
Variant type: single nucleotide variant.
Coding change: c.1748C>G on transcript NM_006031.6 (MANE Select); coding-DNA position 1748, C replaced by G.
Protein change: p.Pro583Arg; replaces proline 583 with arginine.
Molecular consequence: missense variant.
Genome position (GRCh38, 1-based): chr21:46,354,055, C>G. VCF-style: chr21-46354055-C-G. GRCh37 (hg19) VCF-style: chr21-47773969-C-G.
Other names: c.1394C>G, p.Pro465Arg (NM_001315529.2); short protein forms P465R, P583R.
Identifiers: ClinVar variation 3355734 (VCV003355734.2).

ClinVar aggregate classification (germline): Uncertain significance. Review status: criteria provided, single submitter (1 of 4 stars). 2 submissions from 2 submitters: Uncertain significance (1). 1 of the submissions does not count toward it. Last evaluated 2025-02-08.

Conditions:
PCNT-related disorder. Also called: PCNT-related condition.
Inborn genetic diseases. Identifiers: MedGen C0950123, MeSH D030342.

gnomAD v4.1: 9 of 1,614,082 alleles (0.00056%); highest among the groups gnomAD compares: African/African-American, 0.0093%; no homozygotes.

Submissions (2):

Ambry Genetics
Classification: Uncertain significance for Inborn genetic diseases. Last evaluated: 2025-02-08. Review status: criteria provided, single submitter. Criteria: Ambry Variant Classification Scheme 2023. Collection method: clinical testing. Allele origin: germline.

PreventionGenetics, part of Exact Sciences
Classification: Uncertain significance for PCNT-related condition. Last evaluated: 2024-09-12. Review status: no assertion criteria provided. Collection method: clinical testing. Allele origin: germline. Not counted in ClinVar's aggregate classification.
Comment: The PCNT c.1748C>G variant is predicted to result in the amino acid substitution p.Pro583Arg. To our knowledge, this variant has not been reported in the literature. This variant is reported in 0.018% of alleles in individuals of African descent in gnomAD. At this time, the clinical significance of this variant is uncertain due to the absence of conclusive functional and genetic evidence.